The following is an entry in ClinVar:

NM_006073.4(TRDN):c.356A>G (p.Glu119Gly)

Gene: TRDN (triadin; minus strand). Cytogenetic location: 6q22.31.
Variant type: single nucleotide variant.
Coding change: c.356A>G on transcript NM_006073.4 (MANE Select); coding-DNA position 356, A replaced by G.
Protein change: p.Glu119Gly; replaces glutamic acid 119 with glycine.
Molecular consequence: missense variant.
Genome position (GRCh38, 1-based): chr6:123,548,489, T>C on the plus strand (A>G on the coding strand, the complement: TRDN is on the minus strand). VCF-style: chr6-123548489-T-C. GRCh37 (hg19) VCF-style: chr6-123869634-T-C.
Other names: c.356A>G, p.Glu119Gly (NM_001251987.2, NM_001256020.2, NM_001256021.2 and 1 more transcripts); short protein forms E119G.
Identifiers: ClinVar variation 1473959 (VCV001473959.9), dbSNP rs2114436566, ClinGen allele CA365568718.
Genomic context (GRCh38, chr6:123,548,489, plus strand): 5'-AGATATATCTCTATGTTCTTTGTACCTTTATCAGTATCTTCGTCACCATCATCATCTTCT[T>C]CATCTTCAGATGAGATGATGTCAGATAACAAAGAAAAGAAGCCATAGATCCAGTCCGTGG-3'
Protein context (NP_006064.2, residues 109-129): LLSDIISSED[Glu119Gly]EDDDGDEDTD

ClinVar aggregate classification (germline): Uncertain significance (1 of 4 stars; one submission).

Conditions:
Catecholaminergic polymorphic ventricular tachycardia 1. Also called: VENTRICULAR TACHYCARDIA, CATECHOLAMINERGIC POLYMORPHIC, 1, WITH OR WITHOUT ATRIAL DYSFUNCTION AND/OR DILATED CARDIOMYOPATHY; RYR2-Related Catecholaminergic Polymorphic Ventricular Tachycardia; VENTRICULAR TACHYCARDIA, STRESS-INDUCED POLYMORPHIC 1. Identifiers: Orphanet 3286, MedGen C1631597, MONDO:0011484, OMIM 604772.

Submission:

Labcorp Genetics (formerly Invitae), Labcorp
Classification: Uncertain significance for Catecholaminergic polymorphic ventricular tachycardia 1. Last evaluated: 2021-05-06. Review status: criteria provided, single submitter. Criteria: Invitae Variant Classification Sherloc (09022015). Collection method: clinical testing. Allele origin: germline.
Comment: In summary, the available evidence is currently insufficient to determine the role of this variant in disease. Therefore, it has been classified as a Variant of Uncertain Significance. Algorithms developed to predict the effect of missense changes on protein structure and function are either unavailable or do not agree on the potential impact of this missense change (SIFT: "Deleterious"; PolyPhen-2: "Not Available"; Align-GVGD: "Class C0"). This variant has not been reported in the literature in individuals with TRDN-related conditions. This variant is not present in population databases (ExAC no frequency). This sequence change replaces glutamic acid with glycine at codon 119 of the TRDN protein (p.Glu119Gly). The glutamic acid residue is weakly conserved and there is a moderate physicochemical difference between glutamic acid and glycine.